The following is an entry in ClinVar:

NM_001377265.1(MAPT):c.2260C>T (p.His754Tyr)

Gene: MAPT (microtubule associated protein tau). Cytogenetic location: 17q21.31.
Variant type: single nucleotide variant.
Coding change: c.2260C>T on transcript NM_001377265.1 (MANE Select); coding-DNA position 2260, C replaced by T.
Protein change: p.His754Tyr; replaces histidine 754 with tyrosine.
Molecular consequence: missense variant. On other transcripts: non-coding transcript variant (1), intron variant (1).
Genome position (GRCh38, 1-based): chr17:46,018,704, C>T. VCF-style: chr17-46018704-C-T. GRCh37 (hg19) VCF-style: chr17-44096070-C-T.
Other names: c.2089C>T, p.His697Tyr (NM_001123066.4); c.997C>T, p.His333Tyr (NM_001123067.4); c.904C>T, p.His302Tyr (NM_001203251.2); c.991C>T, p.His331Tyr (NM_001203252.2); c.1969C>T, p.His657Tyr (NM_001377266.1); c.817C>T, p.His273Tyr (NM_001377268.1, NM_016841.5); c.1084C>T, p.His362Tyr (NM_005910.6); c.910C>T, p.His304Tyr (NM_016834.5); and 2 more; short protein forms H362Y, H679Y, H331Y, H697Y, H302Y, H304Y, H273Y, H333Y.
Identifiers: ClinVar variation 599620 (VCV000599620.1), dbSNP rs1568339995, ClinGen allele CA399983865.
Genomic context (GRCh38, chr17:46,018,704, plus strand): 5'-GAGAAGCTTGACTTCAAGGACAGAGTCCAGTCGAAGATTGGGTCCCTGGACAATATCACC[C>T]ACGTCCCTGGCGGAGGAAATAAAAAGGTAAAGGGGGTAGGGTGGGTTGGATGCTGCCCTT-3'
Protein context (NP_001364194.1, residues 744-764): SKIGSLDNIT[His754Tyr]VPGGGNKKIE

ClinVar aggregate classification (germline): Likely pathogenic (1 of 4 stars; one submission).

Conditions:
Alzheimer disease. Also called: Presenile and senile dementia; Alzheimer's disease. Identifiers: Orphanet 1020, MedGen C0002395, MeSH D000544, MONDO:0004975, HP:0002511.

Submission:

Human Genetics Group at Institute of Prion Diseases London, University College London
Classification: Likely pathogenic for Alzheimer disease type 1. Last evaluated: 2017-02-01. Review status: criteria provided, single submitter. Criteria: Koriath et al. 2018. Collection method: research. Allele origin: unknown. Affected: yes. Observed: 1 variant allele.
Comment: not on exac, not on google. In silico prediction disagree, but big amino acid change with big charge change and next to a pathogenic mutation with a smaller aminoacid change without charge change

Confirmed by Sanger sequencing